The following is an entry in ClinVar:

NC_000007.13:g.(117243837_117246727)_(117246808_117250572)dup

Gene: CFTR (CF transmembrane conductance regulator; plus strand). Cytogenetic location: 7q31.2.
Variant type: Duplication.
Identifiers: ClinVar variation 2682356 (VCV002682356.1).

ClinVar aggregate classification (germline): Likely pathogenic (1 of 4 stars; one submission).

Conditions:
Cystic fibrosis (CF). Also called: MUCOVISCIDOSIS. Identifiers: Orphanet 586, MedGen C0010674, MONDO:0009061, OMIM 219700. Disease mechanism: loss of function.

Submission:

Women's Health and Genetics/Laboratory Corporation of America, LabCorp
Classification: Likely pathogenic for Cystic fibrosis. Last evaluated: 2023-11-07. Review status: criteria provided, single submitter. Criteria: LabCorp Variant Classification Summary - May 2015. Collection method: clinical testing. Allele origin: germline.
Comment: Variant summary: The variant involves the duplication of exon 18 in the CFTR gene. A presumed nomenclature of c.(2908+1_2909-1)_(2988+1_2989-1)dup has been designated for the purposes of this classification. It is assumed to be a tandem duplication in direct orientation (Richardson_GIM_2018, Newman_AJHG_2015). This Copy Number Variant (CNV) is expected to alter the reading frame and predicted to result in a truncation or absence of the encoded protein due to nonsense mediated decay (NMD). The variant was absent in 21694 control chromosomes. The available data on variant occurrences in the general population are insufficient to allow any conclusion about variant significance. To our knowledge, no occurrence of c.(2908+1_2909-1)_(2988+1_2989-1)dup in individuals affected with Cystic Fibrosis and no experimental evidence demonstrating its impact on protein function have been reported. No submitters have cited clinical-significance assessments for this variant to ClinVar after 2014. Based on the evidence outlined above, the variant was classified as likely pathogenic.